The following is an entry in ClinVar:

ClinVar aggregate classification (germline): Uncertain significance (1 of 4 stars; one submission).

Submission:

Labcorp Genetics (formerly Invitae), Labcorp
Classification: Uncertain significance. Last evaluated: 2022-08-10. Review status: criteria provided, single submitter. Criteria: Invitae Variant Classification Sherloc (09022015). Collection method: clinical testing. Allele origin: germline.
Comment: In summary, the available evidence is currently insufficient to determine the role of this variant in disease. Therefore, it has been classified as a Variant of Uncertain Significance. Algorithms developed to predict the effect of missense changes on protein structure and function (SIFT, PolyPhen-2, Align-GVGD) all suggest that this variant is likely to be disruptive. This variant has not been reported in the literature in individuals affected with MERTK-related conditions. This variant is not present in population databases (gnomAD no frequency). This sequence change replaces alanine, which is neutral and non-polar, with valine, which is neutral and non-polar, at codon 537 of the MERTK protein (p.Ala537Val).

NM_006343.3(MERTK):c.1610C>T (p.Ala537Val)

Gene: MERTK (MER proto-oncogene, tyrosine kinase; plus strand). Cytogenetic location: 2q13.
Variant type: single nucleotide variant.
Coding change: c.1610C>T on transcript NM_006343.3 (MANE Select); coding-DNA position 1610, C replaced by T.
Protein change: p.Ala537Val; replaces alanine 537 with valine.
Molecular consequence: missense variant.
Genome position (GRCh38, 1-based): chr2:112,001,206, C>T. VCF-style: chr2-112001206-C-T. GRCh37 (hg19) VCF-style: chr2-112758783-C-T.
Other names: short protein forms A537V.
Identifiers: ClinVar variation 2062991 (VCV002062991.4), dbSNP rs2466875852, ClinGen allele CA348232002.